The following is an entry in ClinVar:

NC_012920.1(MT-ATP6):m.9064G>A

Gene: MT-ATP6 (mitochondrially encoded ATP synthase 6; plus strand).
Variant type: single nucleotide variant.
Genome position: chrM-9064-G-A.
Identifiers: ClinVar variation 693071 (VCV000693071.1), dbSNP rs386420013, ClinGen allele CA337098175.

ClinVar aggregate classification (germline): Benign (1 of 4 stars; one submission).

Conditions:
Leigh syndrome (NULS). Also called: Leigh's necrotizing encephalopathy; Leigh's disease; Leigh Syndrome (mtDNA deletion); Leigh Disease; Subacute necrotizing encephalopathy; Necrotizing encephalopathy infantile subacute of Leigh. Identifiers: Orphanet 506, MedGen C2931891, MONDO:0009723, OMIM 256000.

Submission:

Wong Mito Lab, Molecular and Human Genetics, Baylor College of Medicine
Classification: Benign for Leigh syndrome. Last evaluated: 2019-10-17. Review status: criteria provided, single submitter. Criteria: Modified ACMG Guidelines (Unpublished). Collection method: clinical testing. Allele origin: germline.
Comment: The NC_012920.1:m.9064G>A (YP_003024031.1:p.Ala180Thr) variant in MTATP6 gene is interpretated to be a Benign variant based on the modified ACMG guidelines (unpublished). This variant meets the following evidence codes: BS1, BS2